The following is an entry in ClinVar:

NM_001017969.3(BRD10):c.3916G>C (p.Val1306Leu)

Gene: BRD10 (bromodomain containing 10; minus strand). Cytogenetic location: 9p24.1.
Variant type: single nucleotide variant.
Coding change: c.3916G>C on transcript NM_001017969.3 (MANE Select); coding-DNA position 3916, G replaced by C.
Protein change: p.Val1306Leu; replaces valine 1306 with leucine.
Molecular consequence: missense variant.
Genome position (GRCh38, 1-based): chr9:5,922,080, C>G on the plus strand (G>C on the coding strand, the complement: BRD10 is on the minus strand). VCF-style: chr9-5922080-C-G. GRCh37 (hg19) VCF-style: chr9-5922080-C-G.
Other names: short protein forms V1306L.
Identifiers: ClinVar variation 2372448 (VCV002372448.26), dbSNP rs140343430, ClinGen allele CA4977114.

ClinVar aggregate classification (germline): Likely benign. Review status: criteria provided, multiple submitters, no conflicts (2 of 4 stars). 2 submissions from 2 submitters: Likely benign (2). Last evaluated 2023-09-01.

Allele frequency attached by ClinVar (database versions not stated): 1000 Genomes Project 30x 0.00078; 1000 Genomes Project 0.00080; ESP Exome Variant Server 0.00100; gnomAD 0.00113; gnomAD exomes 0.00118; ExAC 0.00130; TOPMed 0.00130.
gnomAD v4.1: 1,922 of 1,613,986 alleles (0.12%); highest among the groups gnomAD compares: Middle Eastern, 0.94%; 9 homozygotes.

Submissions (2):

CeGaT Center for Human Genetics Tuebingen
Classification: Likely benign. Last evaluated: 2023-09-01. Review status: criteria provided, single submitter. Criteria: CeGaT Center For Human Genetics Tuebingen Variant Classification Criteria Version 2. Collection method: clinical testing. Allele origin: germline. Affected: yes. Observed: 2 variant alleles.
Comment: BRD10: BP4

Ambry Genetics
Classification: Likely benign. Last evaluated: 2021-12-06. Review status: criteria provided, single submitter. Criteria: Ambry Variant Classification Scheme 2023. Collection method: clinical testing. Allele origin: germline.